The following is an entry in ClinVar:

ClinVar aggregate classification (germline): Conflicting classifications of pathogenicity. Review status: criteria provided, conflicting classifications (1 of 4 stars). 4 submissions from 4 submitters: Uncertain significance (2); Likely benign (2). Last evaluated 2025-08-15.

Conditions:
Inborn genetic diseases. Identifiers: MedGen C0950123, MeSH D030342.
Idiopathic generalized epilepsy. Also called: EIG; Generalised epilepsy. Identifiers: MedGen C0270850, MONDO:0005579, OMIM 600669.
Hyperaldosteronism, familial, type IV (HALD4). Also called: FH IV; ALDOSTERONISM, PRIMARY, AND HYPERTENSION. Identifiers: Orphanet 642671, MedGen C4310756, MONDO:0014875, OMIM 617027.
Epilepsy, childhood absence, susceptibility to, 6. Identifiers: Orphanet 64280, MedGen C2749872, MONDO:0012763, OMIM 611942.

Allele frequency attached by ClinVar (database versions not stated): gnomAD 0.00002; gnomAD exomes 0.00003 and 0.00015; TOPMed 0.00006; ExAC 0.00049.
gnomAD v4.1: 16 of 1,429,094 alleles (0.0011%); highest among the groups gnomAD compares: Admixed American, 0.045%; no homozygotes.

Submissions (4):

Labcorp Genetics (formerly Invitae), Labcorp
Classification: Likely benign for Idiopathic generalized epilepsy; Hyperaldosteronism, familial, type IV. Last evaluated: 2025-08-15. Review status: criteria provided, single submitter. Criteria: Invitae Variant Classification Sherloc (09022015). Collection method: clinical testing. Allele origin: germline.

Ambry Genetics
Classification: Uncertain significance for Inborn genetic diseases. Last evaluated: 2025-06-11. Review status: criteria provided, single submitter. Criteria: Ambry Variant Classification Scheme 2023. Collection method: clinical testing. Allele origin: germline.

GeneDx
Classification: Uncertain significance. Last evaluated: 2024-03-20. Review status: criteria provided, single submitter. Criteria: GeneDx Variant Classification Process June 2021. Collection method: clinical testing. Allele origin: germline. Affected: yes.
Comment: In silico analysis supports that this missense variant does not alter protein structure/function; Has not been previously published as pathogenic or benign to our knowledge

Fulgent Genetics
Classification: Likely benign for Epilepsy, childhood absence, susceptibility to, 6; Hyperaldosteronism, familial, type IV. Last evaluated: 2021-12-28. Review status: criteria provided, single submitter. Criteria: ACMG Guidelines, 2015. Collection method: clinical testing. Allele origin: unknown.

NM_021098.3(CACNA1H):c.6119C>T (p.Pro2040Leu)

Gene: CACNA1H (calcium voltage-gated channel subunit alpha1 H; plus strand). Cytogenetic location: 16p13.3.
Variant type: single nucleotide variant.
Coding change: c.6119C>T on transcript NM_021098.3 (MANE Select); coding-DNA position 6119, C replaced by T.
Protein change: p.Pro2040Leu; replaces proline 2040 with leucine.
Molecular consequence: missense variant.
Genome position (GRCh38, 1-based): chr16:1,220,051, C>T. VCF-style: chr16-1220051-C-T. GRCh37 (hg19) VCF-style: chr16-1270051-C-T.
Other names: c.6101C>T, p.Pro2034Leu (NM_001005407.2); short protein forms P2040L, P2034L.
Identifiers: ClinVar variation 716728 (VCV000716728.13), dbSNP rs776422410, ClinGen allele CA7802239.
Genomic context (GRCh38, chr16:1,220,051, plus strand): 5'-ACACCGATTCCTTGGAAGGGAAGATTGACAGCCCTAGGGACACCCTGGATCCTGCAGAGC[C>T]TGGTGAGAAAACCCCGGTGAGGCCGGTGACCCAGGGGGGCTCCCTGCAGTCCCCACCACG-3'
Protein context (NP_066921.2, residues 2030-2050): SPRDTLDPAE[Pro2040Leu]GEKTPVRPVT